The following is an entry in ClinVar:

NM_006015.6(ARID1A):c.1133C>T (p.Pro378Leu)

Genes: ARID1A (AT-rich interaction domain 1A; plus strand), LOC129929837 (ATAC-STARR-seq lymphoblastoid silent region 489; plus strand). Cytogenetic location: 1p36.11.
Variant type: single nucleotide variant.
Coding change: c.1133C>T on transcript NM_006015.6 (MANE Select); coding-DNA position 1133, C replaced by T.
Protein change: p.Pro378Leu; replaces proline 378 with leucine.
Molecular consequence: missense variant.
Genome position (GRCh38, 1-based): chr1:26,697,536, C>T. VCF-style: chr1-26697536-C-T. GRCh37 (hg19) VCF-style: chr1-27024027-C-T.
Other names: c.1133C>T, p.Pro378Leu (NM_139135.4); short protein forms P378L.
Identifiers: ClinVar variation 2634774 (VCV002634774.2), dbSNP rs956491233, ClinGen allele CA19642084.

ClinVar aggregate classification (germline): Uncertain significance (1 of 4 stars; one submission).

Conditions:
ARID1A-related disorder. Also called: ARID1A-related condition.

Allele frequency attached by ClinVar (database versions not stated): gnomAD 0.00001; gnomAD exomes 0.00001; TOPMed 0.00002.
gnomAD v4.1: 12 of 1,380,114 alleles (0.00087%); highest among the groups gnomAD compares: South Asian, 0.0017%; no homozygotes.

Submission:

PreventionGenetics, part of Exact Sciences
Classification: Uncertain significance for ARID1A-related condition. Last evaluated: 2026-05-06. Review status: criteria provided, single submitter. Criteria: ACMG Guidelines, 2015. Collection method: clinical testing. Allele origin: germline.
Comment: The ARID1A c.1133C>T variant is predicted to result in the amino acid substitution p.Pro378Leu. To our knowledge, this variant has not been reported in the literature. This variant has not been reported in a large population database; however, the coverage of this variant should be interpreted with caution. At this time, the clinical significance of this variant is uncertain due to the absence of conclusive functional and genetic evidence.